The following is an entry in ClinVar:

ClinVar aggregate classification (germline): Uncertain significance (1 of 4 stars; one submission).

Submission:

GeneDx
Classification: Uncertain significance. Last evaluated: 2022-12-02. Review status: criteria provided, single submitter. Criteria: GeneDx Variant Classification Process June 2021. Collection method: clinical testing. Allele origin: germline. Affected: yes.
Comment: Not observed at significant frequency in large population cohorts (gnomAD); In silico analysis supports that this missense variant does not alter protein structure/function; Has not been previously published as pathogenic or benign to our knowledge

NM_004006.3(DMD):c.10801C>G (p.Gln3601Glu)

Gene: DMD (dystrophin; minus strand). Cytogenetic location: Xp21.2.
Variant type: single nucleotide variant.
Coding change: c.10801C>G on transcript NM_004006.3 (MANE Select); coding-DNA position 10801, C replaced by G.
Protein change: p.Gln3601Glu; replaces glutamine 3601 with glutamic acid.
Molecular consequence: missense variant.
Genome position (GRCh38, 1-based): chrX:31,146,411, G>C on the plus strand (C>G on the coding strand, the complement: DMD is on the minus strand). VCF-style: chrX-31146411-G-C. GRCh37 (hg19) VCF-style: chrX-31164528-G-C.
Other names: c.10777C>G, p.Gln3593Glu (NM_000109.4); c.10789C>G, p.Gln3597Glu (NM_004009.3); c.10432C>G, p.Gln3478Glu (NM_004010.3); c.6778C>G, p.Gln2260Glu (NM_004011.4); c.6769C>G, p.Gln2257Glu (NM_004012.4); c.3421C>G, p.Gln1141Glu (NM_004013.3, NM_004021.3); c.2614C>G, p.Gln872Glu (NM_004014.3); c.1597C>G, p.Gln533Glu (NM_004015.3, NM_004016.3); and 3 more; short protein forms Q1031E, Q1128E, Q1141E, Q2257E, Q2260E, Q3478E, Q3593E, Q3597E.
Identifiers: ClinVar variation 2504380 (VCV002504380.1), dbSNP rs2519419787, ClinGen allele CA412648959.